The following is an entry in ClinVar:

NM_001244008.2(KIF1A):c.4682C>T (p.Thr1561Met)

Gene: KIF1A (kinesin family member 1A; minus strand). Cytogenetic location: 2q37.3.
Variant type: single nucleotide variant.
Coding change: c.4682C>T on transcript NM_001244008.2 (MANE Select); coding-DNA position 4682, C replaced by T.
Protein change: p.Thr1561Met; replaces threonine 1561 with methionine.
Molecular consequence: missense variant.
Genome position (GRCh38, 1-based): chr2:240,721,868, G>A on the plus strand (C>T on the coding strand, the complement: KIF1A is on the minus strand). VCF-style: chr2-240721868-G-A. GRCh37 (hg19) VCF-style: chr2-241661285-G-A.
Other names: c.4406C>T, p.Thr1469Met (NM_001320705.2, NM_001379649.1); c.4433C>T, p.Thr1478Met (NM_001330289.2); c.4481C>T, p.Thr1494Met (NM_001330290.2, NM_001379648.1); c.4757C>T, p.Thr1586Met (NM_001379631.1); c.4658C>T, p.Thr1553Met (NM_001379632.1); c.4655C>T, p.Thr1552Met (NM_001379633.1, NM_001379645.1); c.4508C>T, p.Thr1503Met (NM_001379634.1); c.4505C>T, p.Thr1502Met (NM_001379635.1, NM_001379646.1); and 8 more; short protein forms T1460M, T1469M, T1478M, T1494M, T1561M, T1459M, T1468M, T1477M.
Identifiers: ClinVar variation 664751 (VCV000664751.14), dbSNP rs769101887, ClinGen allele CA2207348.

ClinVar aggregate classification (germline): Uncertain significance. Review status: criteria provided, multiple submitters, no conflicts (2 of 4 stars). 4 submissions from 4 submitters: Uncertain significance (3). 1 of the submissions does not count toward it. Last evaluated 2025-07-04.

Conditions:
KIF1A-related disorder. Also called: KIF1A-related disorders; KIF1A-related condition.
Neuropathy, hereditary sensory, type 2C. Also called: Hereditary sensory and autonomic neuropathy type IIC; KIF1A-Related HSAN2 (HSAN2C). Identifiers: Orphanet 970, MedGen C3280168, MONDO:0013634, OMIM 614213.
Intellectual disability, autosomal dominant 9 (NESCAVS). Also called: KIF1A-Related Neurodevelopmental Disorder; NESCAV SYNDROME. Identifiers: Orphanet 662367, MedGen C5393830, MONDO:0013656, OMIM 614255.
Hereditary spastic paraplegia 30. Identifiers: Orphanet 101010, MedGen C5235139, MONDO:0012476.

Allele frequency attached by ClinVar (database versions not stated): gnomAD 0.00002; TOPMed 0.00002; ExAC 0.00002.
gnomAD v4.1: 27 of 1,606,060 alleles (0.0017%); highest among the groups gnomAD compares: East Asian, 0.0045%; no homozygotes.

Submissions (4):

Dasa
Classification: Uncertain significance. Last evaluated: 2025-07-04. Review status: criteria provided, single submitter. Criteria: DASA Assertion Criteria. Collection method: clinical testing. Allele origin: germline.
Comment: NM_001244008.2(KIF1A):c.4682C>T (p.Thr1561Met) is a missense variant that results in the substitution of threonine with methionine. This variant is rare in population databases. Computational prediction algorithms are consistent with a benign effect. The currently available literature and clinical evidence are not sufficient to establish a definitive association between this variant and the reported condition. Therefore, this variant is classified as a variant of uncertain significance.

Labcorp Genetics (formerly Invitae), Labcorp
Classification: Uncertain significance for Hereditary spastic paraplegia 30; Neuropathy, hereditary sensory, type 2C; Intellectual disability, autosomal dominant 9. Last evaluated: 2024-02-08. Review status: criteria provided, single submitter. Criteria: Invitae Variant Classification Sherloc (09022015). Collection method: clinical testing. Allele origin: germline.
Comment: This sequence change replaces threonine, which is neutral and polar, with methionine, which is neutral and non-polar, at codon 1460 of the KIF1A protein (p.Thr1460Met). The frequency data for this variant in the population databases is considered unreliable, as metrics indicate poor data quality at this position in the gnomAD database. This variant has not been reported in the literature in individuals affected with KIF1A-related conditions. ClinVar contains an entry for this variant (Variation ID: 664751). Advanced modeling of protein sequence and biophysical properties (such as structural, functional, and spatial information, amino acid conservation, physicochemical variation, residue mobility, and thermodynamic stability) performed at Invitae indicates that this missense variant is not expected to disrupt KIF1A protein function with a negative predictive value of 95%. In summary, the available evidence is currently insufficient to determine the role of this variant in disease. Therefore, it has been classified as a Variant of Uncertain Significance.

GeneDx
Classification: Uncertain significance. Last evaluated: 2023-11-30. Review status: criteria provided, single submitter. Criteria: GeneDx Variant Classification Process June 2021. Collection method: clinical testing. Allele origin: germline. Affected: yes.
Comment: In silico analysis supports that this missense variant does not alter protein structure/function; Has not been previously published as pathogenic or benign to our knowledge

PreventionGenetics, part of Exact Sciences
Classification: Uncertain significance for KIF1A-related condition. Last evaluated: 2024-09-13. Review status: no assertion criteria provided. Collection method: clinical testing. Allele origin: germline. Not counted in ClinVar's aggregate classification.
Comment: The KIF1A c.4682C>T variant is predicted to result in the amino acid substitution p.Thr1561Met. This variant was reported as a variant of uncertain significance in a patient with amyotrophic lateral sclerosis (Zheng et al. 2024. PubMed ID: 39076207). This variant is reported in 0.0034% of alleles in individuals of South Asian descent in gnomAD. At this time, the clinical significance of this variant is uncertain due to the absence of conclusive functional and genetic evidence.